The following is an entry in ClinVar:

ClinVar aggregate classification (germline): Uncertain significance (1 of 4 stars; one submission).

Conditions:
DYRK1A-related intellectual disability syndrome (MRD7). Also called: DYRK1A Syndrome; Intellectual developmental disorder, autosomal dominant 7. Identifiers: Orphanet 464306, MedGen C5568143, MONDO:0013578, OMIM 614104.

Allele frequency attached by ClinVar (database versions not stated): ExAC 0.00001.
gnomAD v4.1: 4 of 1,614,186 alleles (0.00025%); highest among the groups gnomAD compares: South Asian, 0.0033%; no homozygotes.

Submission:

Labcorp Genetics (formerly Invitae), Labcorp
Classification: Uncertain significance for DYRK1A-related intellectual disability syndrome. Last evaluated: 2023-12-11. Review status: criteria provided, single submitter. Criteria: Invitae Variant Classification Sherloc (09022015). Collection method: clinical testing. Allele origin: germline.
Comment: This sequence change replaces proline, which is neutral and non-polar, with threonine, which is neutral and polar, at codon 583 of the DYRK1A protein (p.Pro583Thr). This variant is present in population databases (rs767840456, gnomAD 0.006%). This variant has not been reported in the literature in individuals affected with DYRK1A-related conditions. ClinVar contains an entry for this variant (Variation ID: 1061445). An algorithm developed to predict the effect of missense changes on protein structure and function (PolyPhen-2) suggests that this variant is likely to be tolerated. In summary, the available evidence is currently insufficient to determine the role of this variant in disease. Therefore, it has been classified as a Variant of Uncertain Significance.

NM_001347721.2(DYRK1A):c.1720C>A (p.Pro574Thr)

Gene: DYRK1A (dual specificity tyrosine phosphorylation regulated kinase 1A; plus strand). Cytogenetic location: 21q22.13.
Variant type: single nucleotide variant.
Coding change: c.1720C>A on transcript NM_001347721.2 (MANE Select); coding-DNA position 1720, C replaced by A.
Protein change: p.Pro574Thr; replaces proline 574 with threonine.
Molecular consequence: missense variant. On other transcripts: 3 prime UTR variant (2).
Genome position (GRCh38, 1-based): chr21:37,511,986, C>A. VCF-style: chr21-37511986-C-A. GRCh37 (hg19) VCF-style: chr21-38884289-C-A.
Other names: c.1720C>A, p.Pro574Thr (NM_001347722.2, NM_130436.2); c.1633C>A, p.Pro545Thr (NM_001347723.2); c.1747C>A, p.Pro583Thr (NM_001396.5); c.*123C>A (NM_101395.2); c.*32C>A (NM_130438.2); short protein forms P545T, P574T, P583T.
Identifiers: ClinVar variation 1061445 (VCV001061445.9), dbSNP rs767840456, ClinGen allele CA10024087.